The following is an entry in ClinVar:

NM_001039141.3(TRIOBP):c.4063-21_4063-10del

Gene: TRIOBP (TRIO and F-actin binding protein; plus strand). Cytogenetic location: 22q13.1.
Variant type: Deletion.
Coding change: c.4063-21_4063-10del on transcript NM_001039141.3 (MANE Select); 21 bases into the intron before coding-DNA position 4063 through 10 bases into the intron before coding-DNA position 4063, 12 bases deleted (ACCCCCTCACCT).
Molecular consequence: intron variant.
Genome position (GRCh38, 1-based): chr22:37,734,378-37,734,389, ACCCCCTCACCT deleted; deleting any 12 consecutive bases within chr22:37,734,370-37,734,389 gives the same sequence; the c. name uses the placement nearest the transcript's 3' end. VCF-style (leftmost placement, unchanged base first): chr22-37734369-GCCTCACCTACCC-G. GRCh37 (hg19) VCF-style: chr22-38130376-GCCTCACCTACCC-G.
Identifiers: ClinVar variation 4772858 (VCV004772858.1).

ClinVar aggregate classification (germline): Uncertain significance (1 of 4 stars; one submission).

Submission:

Labcorp Genetics (formerly Invitae), Labcorp
Classification: Uncertain significance. Last evaluated: 2025-06-30. Review status: criteria provided, single submitter. Criteria: Invitae Variant Classification Sherloc (09022015). Collection method: clinical testing. Allele origin: germline.
Comment: This sequence change falls in intron 8 of the TRIOBP gene. It does not directly change the encoded amino acid sequence of the TRIOBP protein. This variant is present in population databases (no rsID available, gnomAD 0.006%). This variant has not been reported in the literature in individuals affected with TRIOBP-related conditions. Algorithms developed to predict the effect of sequence changes on RNA splicing suggest that this variant may disrupt the consensus splice site. In summary, the available evidence is currently insufficient to determine the role of this variant in disease. Therefore, it has been classified as a Variant of Uncertain Significance.